The following is an entry in ClinVar:

ClinVar aggregate classification (germline): Uncertain significance (0 of 4 stars; one submission).

Conditions:
PLXNA1-related disorder. Also called: PLXNA1-related condition.

gnomAD v4.1: 5 of 1,612,386 alleles (0.00031%); highest among the groups gnomAD compares: Admixed American, 0.0033%; no homozygotes.

Submission:

PreventionGenetics, part of Exact Sciences
Classification: Uncertain significance for PLXNA1-related condition. Last evaluated: 2024-04-09. Review status: no assertion criteria provided. Collection method: clinical testing. Allele origin: germline.
Comment: The PLXNA1 c.4049A>G variant is predicted to result in the amino acid substitution p.Asn1350Ser. To our knowledge, this variant has not been reported in the literature. This variant is reported in 0.12% of alleles in individuals of Latino descent in gnomAD. At this time, the clinical significance of this variant is uncertain due to the absence of conclusive functional and genetic evidence.

NM_032242.4(PLXNA1):c.4049A>G (p.Asn1350Ser)

Gene: PLXNA1 (plexin A1; plus strand). Cytogenetic location: 3q21.3.
Variant type: single nucleotide variant.
Coding change: c.4049A>G on transcript NM_032242.4 (MANE Select); coding-DNA position 4049, A replaced by G.
Protein change: p.Asn1350Ser; replaces asparagine 1350 with serine.
Molecular consequence: missense variant.
Genome position (GRCh38, 1-based): chr3:127,022,095, A>G. VCF-style: chr3-127022095-A-G. GRCh37 (hg19) VCF-style: chr3-126740938-A-G.
Other names: short protein forms N1350S.
Identifiers: ClinVar variation 3348587 (VCV003348587.1).